The following is an entry in ClinVar:

ClinVar aggregate classification (germline): Conflicting classifications of pathogenicity. Review status: criteria provided, conflicting classifications (1 of 4 stars). 2 submissions from 2 submitters: Uncertain significance (1); Likely benign (1). Last evaluated 2025-12-03.

Allele frequency attached by ClinVar (database versions not stated): gnomAD 0.00002 and 0.00004; TOPMed 0.00002; gnomAD exomes 0.00007; ExAC 0.00010.
gnomAD v4.1: 83 of 1,605,866 alleles (0.0052%); highest among the groups gnomAD compares: East Asian, 0.18%; 1 homozygote.

Submissions (2):

Labcorp Genetics (formerly Invitae), Labcorp
Classification: Likely benign. Last evaluated: 2025-12-03. Review status: criteria provided, single submitter. Criteria: Invitae Variant Classification Sherloc (09022015). Collection method: clinical testing. Allele origin: germline.

Women's Health and Genetics/Laboratory Corporation of America, LabCorp
Classification: Uncertain significance. Last evaluated: 2022-02-16. Review status: criteria provided, single submitter. Criteria: LabCorp Variant Classification Summary - May 2015. Collection method: clinical testing. Allele origin: germline.
Comment: Variant summary: ACAN c.553C>A (p.Pro185Thr) results in a non-conservative amino acid change in the encoded protein sequence. Four of five in-silico tools predict a damaging effect of the variant on protein function. The variant allele was found at a frequency of 6.8e-05 in 233736 control chromosomes (gnomAD). To our knowledge, no occurrence of c.553C>A in individuals affected with ACAN-Related Disorders and no experimental evidence demonstrating its impact on protein function have been reported. No clinical diagnostic laboratories have submitted clinical-significance assessments for this variant to ClinVar after 2014. Based on the evidence outlined above, the variant was classified as uncertain significance.

NM_001369268.1(ACAN):c.553C>A (p.Pro185Thr)

Gene: ACAN (aggrecan; plus strand). Cytogenetic location: 15q26.1.
Variant type: single nucleotide variant.
Coding change: c.553C>A on transcript NM_001369268.1 (MANE Select); coding-DNA position 553, C replaced by A.
Protein change: p.Pro185Thr; replaces proline 185 with threonine.
Molecular consequence: missense variant.
Genome position (GRCh38, 1-based): chr15:88,840,110, C>A. VCF-style: chr15-88840110-C-A. GRCh37 (hg19) VCF-style: chr15-89383341-C-A.
Other names: c.553C>A, p.Pro185Thr (NM_001135.4, NM_013227.4); short protein forms P185T.
Identifiers: ClinVar variation 1343545 (VCV001343545.6), dbSNP rs751285545, ClinGen allele CA7719266.